The following is an entry in ClinVar:

ClinVar aggregate classification (germline): Likely pathogenic (1 of 4 stars; one submission).

Submission:

GeneDx
Classification: Likely pathogenic. Last evaluated: 2023-01-19. Review status: criteria provided, single submitter. Criteria: GeneDx Variant Classification Process June 2021. Collection method: clinical testing. Allele origin: germline. Affected: yes.
Comment: Not observed at significant frequency in large population cohorts (gnomAD); Missense variants in this gene are often considered pathogenic (HGMD); This substitution is predicted to be within the transmembrane segment S2 of the first homologous domain; In silico analysis supports that this missense variant has a deleterious effect on protein structure/function; Has not been previously published as pathogenic or benign to our knowledge

NM_001165963.4(SCN1A):c.502G>C (p.Glu168Gln)

Gene: SCN1A (sodium voltage-gated channel alpha subunit 1; minus strand). Cytogenetic location: 2q24.3.
Variant type: single nucleotide variant.
Coding change: c.502G>C on transcript NM_001165963.4 (MANE Select); coding-DNA position 502, G replaced by C.
Protein change: p.Glu168Gln; replaces glutamic acid 168 with glutamine.
Molecular consequence: missense variant. On other transcripts: 5 prime UTR variant (1), non-coding transcript variant (1).
Genome position (GRCh38, 1-based): chr2:166,054,738, C>G on the plus strand (G>C on the coding strand, the complement: SCN1A is on the minus strand). VCF-style: chr2-166054738-C-G. GRCh37 (hg19) VCF-style: chr2-166911248-C-G.
Other names: c.502G>C, p.Glu168Gln (NM_001165964.3, NM_001202435.3, NM_001353948.2 and 10 more transcripts); c.-1924G>C (NM_001353961.2); short protein forms E168Q.
Identifiers: ClinVar variation 2412982 (VCV002412982.3), dbSNP rs1553551483, ClinGen allele CA349075633.